The following is an entry in ClinVar:

ClinVar aggregate classification (germline): Pathogenic (1 of 4 stars; one submission).

Submission:

Labcorp Genetics (formerly Invitae), Labcorp
Classification: Pathogenic. Last evaluated: 2024-11-13. Review status: criteria provided, single submitter. Criteria: Invitae Variant Classification Sherloc (09022015). Collection method: clinical testing. Allele origin: germline.
Comment: This sequence change creates a premature translational stop signal (p.Trp1280*) in the UNC80 gene. It is expected to result in an absent or disrupted protein product. Loss-of-function variants in UNC80 are known to be pathogenic (PMID: 26545877, 26708751, 26708753). This variant is not present in population databases (gnomAD no frequency). This variant has not been reported in the literature in individuals affected with UNC80-related conditions. For these reasons, this variant has been classified as Pathogenic.

Literature cited by the submitters: PubMed 26545877; PubMed 26708751; PubMed 26708753.

NM_001371986.1(UNC80):c.3834G>A (p.Trp1278Ter)

Genes: UNC80 (unc-80 subunit of NALCN channel complex; plus strand), LOC121725110 (Sharpr-MPRA regulatory region 8902; plus strand). Cytogenetic location: 2q34.
Variant type: single nucleotide variant.
Coding change: c.3834G>A on transcript NM_001371986.1 (MANE Select); coding-DNA position 3834, G replaced by A.
Protein change: p.Trp1278Ter; replaces tryptophan 1278 with a stop codon.
Molecular consequence: nonsense.
Genome position (GRCh38, 1-based): chr2:209,872,964, G>A. VCF-style: chr2-209872964-G-A. GRCh37 (hg19) VCF-style: chr2-210737688-G-A.
Other names: c.3840G>A, p.Trp1280Ter (NM_032504.2); c.3825G>A, p.Trp1275Ter (NM_182587.4); short protein forms W1280*, W1275*, W1278*.
Identifiers: ClinVar variation 3725199 (VCV003725199.2).
Genomic context (GRCh38, chr2:209,872,964, plus strand): 5'-TGTGGGCAACAAGCGAAACCAGAAGCTGCAGTGGAATGCAGCCAAGCTCTTCTACCAATG[G>A]GGAGACGTGAGCTTTCGGTTTTCTTCTATAACAATTAGGTTGCTTAAGTGAAGTGGAGTC-3'